The following is an entry in ClinVar:

NM_001458.5(FLNC):c.5245C>T (p.Gln1749Ter)

Gene: FLNC (filamin C; plus strand). Cytogenetic location: 7q32.1.
Variant type: single nucleotide variant.
Coding change: c.5245C>T on transcript NM_001458.5 (MANE Select); coding-DNA position 5245, C replaced by T.
Protein change: p.Gln1749Ter; replaces glutamine 1749 with a stop codon.
Molecular consequence: nonsense. On other transcripts: intron variant (1).
Genome position (GRCh38, 1-based): chr7:128,850,021, C>T. VCF-style: chr7-128850021-C-T. GRCh37 (hg19) VCF-style: chr7-128490075-C-T.
Other names: c.5200-363C>T (NM_001127487.2); short protein forms Q1749*.
Identifiers: ClinVar variation 4812525 (VCV004812525.1).

ClinVar aggregate classification (germline): Pathogenic (1 of 4 stars; one submission).

Conditions:
Hypertrophic cardiomyopathy 26. Also called: Cardiomyopathy, familial hypertrophic, 26. Identifiers: Orphanet 75249, MedGen C4310749, MONDO:0014883, OMIM 617047.
Myofibrillar myopathy 5. Also called: Filaminopathy (type); FILAMINOPATHY, AUTOSOMAL DOMINANT. Identifiers: Orphanet 171445, MedGen C1836050, MONDO:0012289, OMIM 609524.
Distal myopathy with posterior leg and anterior hand involvement. Also called: WILLIAMS DISTAL MYOPATHY. Identifiers: Orphanet 63273, MedGen C3279722, MONDO:0013550, OMIM 614065.

gnomAD v4.1: 1 of 1,567,284 alleles (0.000064%); highest among the groups gnomAD compares: Non-Finnish European, 0.000086%; no homozygotes.

Submission:

Labcorp Genetics (formerly Invitae), Labcorp
Classification: Pathogenic for Distal myopathy with posterior leg and anterior hand involvement; Myofibrillar myopathy 5; Hypertrophic cardiomyopathy 26. Last evaluated: 2025-08-29. Review status: criteria provided, single submitter. Criteria: Invitae Variant Classification Sherloc (09022015). Collection method: clinical testing. Allele origin: germline.
Comment: This sequence change creates a premature translational stop signal (p.Gln1749*) in the FLNC gene. It is expected to result in an absent or disrupted protein product. Loss-of-function variants in FLNC are known to be pathogenic (PMID: 27908349). This variant is not present in population databases (gnomAD no frequency). This variant has not been reported in the literature in individuals affected with FLNC-related conditions. Algorithms developed to predict the effect of sequence changes on RNA splicing suggest that this variant may disrupt the consensus splice site. For these reasons, this variant has been classified as Pathogenic.

Literature cited by the submitters: PubMed 27908349.